The following is an entry in ClinVar:

ClinVar aggregate classification (germline): Likely benign. Review status: criteria provided, multiple submitters, no conflicts (2 of 4 stars). 4 submissions from 4 submitters: Likely benign (4). Last evaluated 2023-08-24.

Conditions:
Hereditary cancer-predisposing syndrome. Also called: Neoplastic Syndromes, Hereditary; Hereditary Cancer Syndrome; Tumor predisposition; Hereditary neoplastic syndrome. Identifiers: Orphanet 140162, MedGen C0027672, MeSH D009386, MONDO:0015356.
Hereditary breast ovarian cancer syndrome. Also called: BRCA1- and BRCA2-Associated Hereditary Breast and Ovarian Cancer; Hereditary breast and ovarian cancer syndrome (HBOC); Hereditary breast and ovarian cancer; Breast and ovarian cancer; Hereditary breast and/or ovarian cancer syndrome; Hereditary breast and ovarian cancer syndrome. Identifiers: Orphanet 145, MedGen C0677776, MeSH D061325, MONDO:0003582. Disease mechanism: loss of function.

Allele frequency attached by ClinVar (database versions not stated): gnomAD 0.00001.
gnomAD v4.1: 2 of 1,613,758 alleles (0.00012%); highest among the groups gnomAD compares: African/African-American, 0.0027%; no homozygotes.

Submissions (4):

Labcorp Genetics (formerly Invitae), Labcorp
Classification: Likely benign for Hereditary breast ovarian cancer syndrome. Last evaluated: 2023-08-24. Review status: criteria provided, single submitter. Criteria: Invitae Variant Classification Sherloc (09022015). Collection method: clinical testing. Allele origin: germline.

Women's Health and Genetics/Laboratory Corporation of America, LabCorp
Classification: Likely benign. Last evaluated: 2019-08-21. Review status: criteria provided, single submitter. Criteria: LabCorp Variant Classification Summary - May 2015. Collection method: clinical testing. Allele origin: germline.

Ambry Genetics
Classification: Likely benign for Hereditary cancer-predisposing syndrome. Last evaluated: 2019-06-10. Review status: criteria provided, single submitter. Criteria: Ambry Variant Classification Scheme 2023. Collection method: clinical testing. Allele origin: germline.

GeneDx
Classification: Likely benign. Last evaluated: 2016-12-12. Review status: criteria provided, single submitter. Criteria: GeneDx Variant Classification (06012015). Collection method: clinical testing. Allele origin: germline. Affected: yes.
Comment: This variant is considered likely benign or benign based on one or more of the following criteria: it is a conservative change, it occurs at a poorly conserved position in the protein, it is predicted to be benign by multiple in silico algorithms, and/or has population frequency not consistent with disease.

NM_000059.4(BRCA2):c.7671A>G (p.Ala2557=)

Gene: BRCA2 (BRCA2 DNA repair associated; plus strand). Cytogenetic location: 13q13.1.
Variant type: single nucleotide variant.
Coding change: c.7671A>G on transcript NM_000059.4 (MANE Select); coding-DNA position 7671, A replaced by G.
Protein change: p.Ala2557=; no amino-acid change (alanine 2557 retained).
Molecular consequence: synonymous variant.
Genome position (GRCh38, 1-based): chr13:32,357,795, A>G. VCF-style: chr13-32357795-A-G. GRCh37 (hg19) VCF-style: chr13-32931932-A-G.
Identifiers: ClinVar variation 391654 (VCV000391654.17), dbSNP rs1057524178, ClinGen allele CA16607482.